The following is an entry in ClinVar:

ClinVar aggregate classification (germline): Benign/Likely benign. Review status: criteria provided, multiple submitters, no conflicts (2 of 4 stars). 3 submissions from 3 submitters: Benign (1); Likely benign (2). Last evaluated 2026-03-01.

Allele frequency attached by ClinVar (database versions not stated): TOPMed 0.00003; gnomAD 0.00011; gnomAD exomes 0.00018; ExAC 0.00035; 1000 Genomes Project 0.00060; 1000 Genomes Project 30x 0.00062.
gnomAD v4.1: 272 of 1,607,908 alleles (0.017%); highest among the groups gnomAD compares: South Asian, 0.29%; 4 homozygotes.

Submissions (3):

CeGaT Center for Human Genetics Tuebingen
Classification: Likely benign. Last evaluated: 2026-03-01. Review status: criteria provided, single submitter. Criteria: CeGaT Center For Human Genetics Tuebingen Variant Classification Criteria Version 2. Collection method: clinical testing. Allele origin: germline. Affected: yes. Observed: 1 variant allele.
Comment: CAMTA1: BP4, BP7

Blueprint Genetics
Classification: Likely benign. Last evaluated: 2023-08-11. Review status: criteria provided, single submitter. Criteria: ACMG Guidelines, 2015. Collection method: clinical testing. Allele origin: germline.

Labcorp Genetics (formerly Invitae), Labcorp
Classification: Benign. Last evaluated: 2023-02-16. Review status: criteria provided, single submitter. Criteria: Invitae Variant Classification Sherloc (09022015). Collection method: clinical testing. Allele origin: germline.

NM_015215.4(CAMTA1):c.2085G>A (p.Ser695=)

Gene: CAMTA1 (calmodulin binding transcription activator 1; plus strand). Cytogenetic location: 1p36.23.
Variant type: single nucleotide variant.
Coding change: c.2085G>A on transcript NM_015215.4 (MANE Select); coding-DNA position 2085, G replaced by A.
Protein change: p.Ser695=; no amino-acid change (serine 695 retained).
Molecular consequence: synonymous variant.
Genome position (GRCh38, 1-based): chr1:7,664,632, G>A. VCF-style: chr1-7664632-G-A. GRCh37 (hg19) VCF-style: chr1-7724692-G-A.
Other names: c.1995G>A, p.Ser665= (NM_001349608.2, NM_001349612.2); c.2085G>A, p.Ser695= (NM_001349609.2, NM_001349610.2, NM_001410737.1); c.2013G>A, p.Ser671= (NM_001410738.1).
Identifiers: ClinVar variation 2175152 (VCV002175152.9), dbSNP rs567138522, ClinGen allele CA566561.